The following is an entry in ClinVar:

GRCh37/hg19 16q24.3(chr16:89847604-89862444)x0

Gene: FANCA (FA complementation group A; minus strand). Cytogenetic location: 16q24.3.
Variant type: copy number loss.
Change: copy number 0 (both copies lost) of chr16:89,847,604-89,862,444 (14.8 kb, GRCh37 coordinates, 1-based), cytogenetic band 16q24.3.
Identifiers: ClinVar variation 1328467 (VCV001328467.4).

ClinVar aggregate classification (germline): Pathogenic (1 of 4 stars; one submission).

Submission:

Illumina Laboratory Services, Illumina
Classification: Pathogenic. Last evaluated: 2020-11-06. Review status: criteria provided, single submitter. Criteria: ICSL CNVClassificationCriteria Aug2020. Collection method: clinical testing. Allele origin: unknown.
Comment: This CNV is a 15kb deletion on chromosome 16 at 16q24.3, (seq[GRCh37]del(16)(q24.3); chr16:g.89847604_89862444del). This CNV results in an intragenic deletion in the FANCA gene encompassing exons 11-17. Deletions, which may be intragenic or extend beyond the FANCA gene, are recognized as a relatively common cause of Fanconi anemia and account for between 20% and 40% of disease-causing FANCA variants (Morgan et al. 1999; Flynn et al. 2014; Kimble et al. 2018). A similar CNV encompassing exons 11-17 of the FANCA gene has been reported in a compound heterozygous state in several individuals in a FA cohort of Afrikaner descent, where it is presumed to be a founder variant (Tipping et al. 2001). Additionally, smaller CNVs which are fully encompassed by this event have been reported in individuals affected with FA. For example, three probands of Irish descent were identified with a deletion resulting in a loss of exons 11-14 in a compound heterozygous state with a second variant in FANCA (Callén et al. 2005) and one proband has been reported to be a compound heterozygote for an exon 15-17 deletion of FANCA (Morgan et al. 1999). The 16q24.3 deletion has not been reported in published controls. Based on the collective evidence, this CNV is classified as pathogenic.

Literature cited by the submitters: PubMed 10521298; PubMed 11344308; PubMed 15522956; PubMed 25168418; PubMed 29098742.